The following is an entry in ClinVar:

NM_002112.4(HDC):c.1480A>G (p.Ile494Val)

Gene: HDC (histidine decarboxylase; minus strand). Cytogenetic location: 15q21.2.
Variant type: single nucleotide variant.
Coding change: c.1480A>G on transcript NM_002112.4 (MANE Select); coding-DNA position 1480, A replaced by G.
Protein change: p.Ile494Val; replaces isoleucine 494 with valine.
Molecular consequence: missense variant.
Genome position (GRCh38, 1-based): chr15:50,242,769, T>C on the plus strand (A>G on the coding strand, the complement: HDC is on the minus strand). VCF-style: chr15-50242769-T-C. GRCh37 (hg19) VCF-style: chr15-50534966-T-C.
Other names: c.1381A>G, p.Ile461Val (NM_001306146.2); short protein forms I461V, I494V.
Identifiers: ClinVar variation 713554 (VCV000713554.30), dbSNP rs145672878, ClinGen allele CA7554549.

ClinVar aggregate classification (germline): Benign/Likely benign. Review status: criteria provided, multiple submitters, no conflicts (2 of 4 stars). 4 submissions from 4 submitters: Benign (1); Likely benign (3). Last evaluated 2024-11-25.

Allele frequency attached by ClinVar (database versions not stated): 1000 Genomes Project 0.00220; 1000 Genomes Project 30x 0.00250; gnomAD exomes 0.00350 and 0.00616; ExAC 0.00352; gnomAD 0.00364 and 0.00394; TOPMed 0.00404; ESP Exome Variant Server 0.00539.

Submissions (4):

Blueprint Genetics
Classification: Likely benign. Last evaluated: 2024-11-25. Review status: criteria provided, single submitter. Criteria: ACMG Guidelines, 2015. Collection method: clinical testing. Allele origin: germline.

CeGaT Center for Human Genetics Tuebingen
Classification: Benign. Last evaluated: 2022-03-01. Review status: criteria provided, single submitter. Criteria: CeGaT Center For Human Genetics Tuebingen Variant Classification Criteria Version 2. Collection method: clinical testing. Allele origin: germline. Affected: yes. Observed: 1 variant allele.
Comment: HDC: BP4, BS1, BS2

Labcorp Genetics (formerly Invitae), Labcorp
Classification: Likely benign. Last evaluated: 2019-12-31. Review status: criteria provided, single submitter. Criteria: Invitae Variant Classification Sherloc (09022015). Collection method: clinical testing. Allele origin: germline.

Breakthrough Genomics
Classification: Likely benign. Review status: criteria provided, single submitter. Criteria: ACMG Guidelines, 2015. Collection method: not provided. Allele origin: germline. Inheritance: Autosomal dominant inheritance. Affected: yes.